The following is an entry in ClinVar:

ClinVar aggregate classification (germline): Uncertain significance. Review status: criteria provided, multiple submitters, no conflicts (2 of 4 stars). 2 submissions from 2 submitters: Uncertain significance (2). Last evaluated 2025-05-09.

Submissions (2):

GeneDx
Classification: Uncertain significance. Last evaluated: 2025-05-09. Review status: criteria provided, single submitter. Criteria: GeneDx Variant Classification Process June 2021. Collection method: clinical testing. Allele origin: germline. Affected: yes.
Comment: Not observed at significant frequency in large population cohorts (gnomAD); In silico analysis supports that this missense variant has a deleterious effect on protein structure/function; Has not been previously published as pathogenic or benign to our knowledge

Revvity Omics, Revvity
Classification: Uncertain significance. Last evaluated: 2019-10-29. Review status: criteria provided, single submitter. Criteria: ACMG Guidelines, 2015. Collection method: clinical testing. Allele origin: germline.

NM_000540.3(RYR1):c.10942C>T (p.Arg3648Trp)

Gene: RYR1 (ryanodine receptor 1; plus strand). Cytogenetic location: 19q13.2.
Variant type: single nucleotide variant.
Coding change: c.10942C>T on transcript NM_000540.3 (MANE Select); coding-DNA position 10942, C replaced by T.
Protein change: p.Arg3648Trp; replaces arginine 3648 with tryptophan.
Molecular consequence: missense variant.
Genome position (GRCh38, 1-based): chr19:38,528,603, C>T. VCF-style: chr19-38528603-C-T. GRCh37 (hg19) VCF-style: chr19-39019243-C-T.
Other names: c.10927C>T, p.Arg3643Trp (NM_001042723.2); short protein forms R3643W, R3648W.
Identifiers: ClinVar variation 2435500 (VCV002435500.4), dbSNP rs2514496918, ClinGen allele CA405649687.